The following is an entry in ClinVar:

NM_001377540.1(SLMAP):c.2332C>G (p.Leu778Val)

Gene: SLMAP (sarcolemma associated protein; plus strand). Cytogenetic location: 3p14.3.
Variant type: single nucleotide variant.
Coding change: c.2332C>G on transcript NM_001377540.1 (MANE Select); coding-DNA position 2332, C replaced by G.
Protein change: p.Leu778Val; replaces leucine 778 with valine.
Molecular consequence: missense variant. On other transcripts: non-coding transcript variant (1).
Genome position (GRCh38, 1-based): chr3:57,922,910, C>G. VCF-style: chr3-57922910-C-G. GRCh37 (hg19) VCF-style: chr3-57908637-C-G.
Other names: c.2281C>G, p.Leu761Val (NM_001304420.3, NM_001377541.1, NM_001377542.1); c.2167C>G, p.Leu723Val (NM_001304421.2, NM_001377557.1, NM_001377559.1); c.883C>G, p.Leu295Val (NM_001304422.3, NM_001311178.2); c.685C>G, p.Leu229Val (NM_001304423.3); c.2353C>G, p.Leu785Val (NM_001377538.1); c.2332C>G, p.Leu778Val (NM_001377539.1); c.2269C>G, p.Leu757Val (NM_001377545.1); c.2230C>G, p.Leu744Val (NM_001377549.1, NM_007159.5); and 8 more; short protein forms L229V, L254V, L295V, L682V, L699V, L703V, L716V, L720V.
Identifiers: ClinVar variation 3226003 (VCV003226003.1), dbSNP rs1251605930, ClinGen allele CA353410625.

ClinVar aggregate classification (germline): Uncertain significance (1 of 4 stars; one submission).

Allele frequency attached by ClinVar (database versions not stated): gnomAD exomes below 0.00001; gnomAD 0.00001; TOPMed 0.00001.
gnomAD v4.1: 2 of 1,613,068 alleles (0.00012%); highest among the groups gnomAD compares: Non-Finnish European, 0.00017%; no homozygotes.

Submission:

Ambry Genetics
Classification: Uncertain significance. Last evaluated: 2024-01-22. Review status: criteria provided, single submitter. Criteria: Ambry Variant Classification Scheme 2023. Collection method: clinical testing. Allele origin: germline.
Comment: The p.L744V variant (also known as c.2230C>G), located in coding exon 20 of the SLMAP gene, results from a C to G substitution at nucleotide position 2230. The leucine at codon 744 is replaced by valine, an amino acid with highly similar properties. This amino acid position is conserved. In addition, this alteration is predicted to be deleterious by in silico analysis. Based on the available evidence, the clinical significance of this alteration remains unclear.